The following is an entry in ClinVar:

NM_001174147.2(LMX1B):c.326+3A>G

Gene: LMX1B (LIM homeobox transcription factor 1 beta; plus strand). Cytogenetic location: 9q33.3.
Variant type: single nucleotide variant.
Coding change: c.326+3A>G on transcript NM_001174147.2 (MANE Select); 3 bases into the intron after coding-DNA position 326, A replaced by G.
Molecular consequence: intron variant.
Genome position (GRCh38, 1-based): chr9:126,615,572, A>G. VCF-style: chr9-126615572-A-G. GRCh37 (hg19) VCF-style: chr9-129377851-A-G.
Other names: c.326+3A>G (NM_001174146.2, NM_002316.4).
Identifiers: ClinVar variation 3646233 (VCV003646233.2).
Genomic context (GRCh38, chr9:126,615,572, plus strand): 5'-TCACCACCAGCTGCTACTTCCGGGATCGGAAACTGTACTGCAAACAAGACTACCAACAGT[A>G]AGCGCTTCTCGTCCTCCTTCCCCGCCACCGCCCGGCACTCGAGCCCGGTCAGCCCCCTGC-3'

ClinVar aggregate classification (germline): Uncertain significance (1 of 4 stars; one submission).

Submission:

Labcorp Genetics (formerly Invitae), Labcorp
Classification: Uncertain significance. Last evaluated: 2024-03-16. Review status: criteria provided, single submitter. Criteria: Invitae Variant Classification Sherloc (09022015). Collection method: clinical testing. Allele origin: germline.
Comment: This sequence change falls in intron 2 of the LMX1B gene. It does not directly change the encoded amino acid sequence of the LMX1B protein. It affects a nucleotide within the consensus splice site. This variant is not present in population databases (gnomAD no frequency). This variant has not been reported in the literature in individuals affected with LMX1B-related conditions. Variants that disrupt the consensus splice site are a relatively common cause of aberrant splicing (PMID: 17576681, 9536098). Algorithms developed to predict the effect of sequence changes on RNA splicing suggest that this variant is not likely to affect RNA splicing. In summary, the available evidence is currently insufficient to determine the role of this variant in disease. Therefore, it has been classified as a Variant of Uncertain Significance.

Literature cited by the submitters: PubMed 17576681; PubMed 9536098.